The following is an entry in ClinVar:

ClinVar aggregate classification (germline): Conflicting classifications of pathogenicity. Review status: criteria provided, conflicting classifications (1 of 4 stars). 8 submissions from 8 submitters: Uncertain significance (6); Likely benign (1). 1 of the submissions does not count toward it. Last evaluated 2026-01-22.

Conditions:
Hereditary breast ovarian cancer syndrome. Also called: Breast and ovarian cancer; Hereditary breast and ovarian cancer; Hereditary breast and ovarian cancer syndrome; BRCA1- and BRCA2-Associated Hereditary Breast and Ovarian Cancer; Hereditary breast and ovarian cancer syndrome (HBOC); Hereditary breast and/or ovarian cancer syndrome. Identifiers: Orphanet 145, MedGen C0677776, MeSH D061325, MONDO:0003582. Disease mechanism: loss of function.
Hereditary cancer-predisposing syndrome. Also called: Tumor predisposition; Hereditary Cancer Syndrome; Neoplastic Syndromes, Hereditary; Hereditary neoplastic syndrome. Identifiers: Orphanet 140162, MedGen C0027672, MeSH D009386, MONDO:0015356.
Breast-ovarian cancer, familial, susceptibility to, 2 (BROVCA2). Also called: BRCA2 Hereditary Breast and Ovarian Cancer. Identifiers: Orphanet 145, MedGen C2675520, MONDO:0012933, OMIM 612555. Disease mechanism: loss of function.

gnomAD v4.1: 3 of 1,612,718 alleles (0.00019%); highest among the groups gnomAD compares: East Asian, 0.0022%; no homozygotes.

Submissions (8):

Labcorp Genetics (formerly Invitae), Labcorp
Classification: Uncertain significance for Hereditary breast ovarian cancer syndrome. Last evaluated: 2026-01-22. Review status: criteria provided, single submitter. Criteria: Invitae Variant Classification Sherloc (09022015). Collection method: clinical testing. Allele origin: germline.
Comment: This sequence change replaces cysteine, which is neutral and slightly polar, with tyrosine, which is neutral and polar, at codon 3233 of the BRCA2 protein (p.Cys3233Tyr). This variant is present in population databases (rs398122620, gnomAD 0.006%). This variant has not been reported in the literature in individuals affected with BRCA2-related conditions. ClinVar contains an entry for this variant (Variation ID: 91532). Invitae Evidence Modeling of protein sequence and biophysical properties (such as structural, functional, and spatial information, amino acid conservation, physicochemical variation, residue mobility, and thermodynamic stability) indicates that this missense variant is not expected to disrupt BRCA2 protein function with a negative predictive value of 95%. In summary, the available evidence is currently insufficient to determine the role of this variant in disease. Therefore, it has been classified as a Variant of Uncertain Significance.

Ambry Genetics
Classification: Uncertain significance for Hereditary cancer-predisposing syndrome. Last evaluated: 2025-09-13. Review status: criteria provided, single submitter. Criteria: Ambry Variant Classification Scheme 2023. Collection method: clinical testing. Allele origin: germline.
Comment: The p.C3233Y variant (also known as c.9698G>A), located in coding exon 26 of the BRCA2 gene, results from a G to A substitution at nucleotide position 9698. The cysteine at codon 3233 is replaced by tyrosine, an amino acid with highly dissimilar properties. This amino acid position is not well conserved on limited sequence alignment. In addition, this alteration is predicted to be tolerated by in silico analysis. Since supporting evidence is limited at this time, the clinical significance of this alteration remains unclear.

Myriad Genetics, Inc.
Classification: Likely benign for Breast-ovarian cancer, familial, susceptibility to, 2. Last evaluated: 2024-03-11. Review status: criteria provided, single submitter. Criteria: Myriad Autosomal Dominant, Autosomal Recessive and X-Linked Classification Criteria (2023). Collection method: clinical testing. Allele origin: unknown.
Comment: This variant is considered likely benign. This variant is strongly associated with less severe personal and family histories of cancer, typical for individuals without pathogenic variants in this gene [PMID: 25085752].

Quest Diagnostics Nichols Institute San Juan Capistrano
Classification: Uncertain significance. Last evaluated: 2023-08-03. Review status: criteria provided, single submitter. Criteria: Quest Diagnostics criteria. Collection method: clinical testing. Allele origin: unknown.
Comment: The frequency of this variant in the general population, 0.000008 (2/250396 chromosomes (Genome Aggregation Database)), is uninformative in the assessment of its pathogenicity. Analysis of this variant using bioinformatics tools for the prediction of the effect of amino acid changes on protein structure and function yielded predictions that this variant is benign. Based on the available information, we are unable to determine the clinical significance of this variant.

All of Us Research Program, National Institutes of Health
Classification: Uncertain significance for Breast-ovarian cancer, familial, susceptibility to, 2. Last evaluated: 2023-03-07. Review status: criteria provided, single submitter. Criteria: ACMG Guidelines, 2015. Collection method: clinical testing. Allele origin: germline. Inheritance: Autosomal dominant inheritance. Observed: 1 variant allele, 1 heterozygote.
Comment: This missense variant replaces cysteine with tyrosine at codon 3233 of the BRCA2 protein. Computational prediction suggests that this variant may not impact protein structure and function (internally defined REVEL score threshold <= 0.5, PMID: 27666373). To our knowledge, functional studies have not been reported for this variant. This variant has been reported in an individual unaffected with cancer (PMID: 32467295). This variant has been identified in 2/250396 chromosomes in the general population by the Genome Aggregation Database (gnomAD). The available evidence is insufficient to determine the role of this variant in disease conclusively. Therefore, this variant is classified as a Variant of Uncertain Significance.

This study involves interpretation of variants in research participants for the purpose of population health screening. Participant phenotype was not available at the time of variant classification. Additional details can be found in publication PMID: 35346344, PMCID: PMC8962531

Color Diagnostics, LLC DBA Color Health
Classification: Uncertain significance for Hereditary cancer-predisposing syndrome. Last evaluated: 2023-02-01. Review status: criteria provided, single submitter. Criteria: ACMG Guidelines, 2015. Collection method: clinical testing. Allele origin: germline.
Comment: This missense variant replaces cysteine with tyrosine at codon 3233 of the BRCA2 protein. Computational prediction suggests that this variant may not impact protein structure and function (internally defined REVEL score threshold <= 0.5, PMID: 27666373). To our knowledge, functional studies have not been reported for this variant. This variant has been reported in an individual unaffected with cancer (PMID: 32467295). This variant has been identified in 2/250396 chromosomes in the general population by the Genome Aggregation Database (gnomAD). The available evidence is insufficient to determine the role of this variant in disease conclusively. Therefore, this variant is classified as a Variant of Uncertain Significance.

GeneDx
Classification: Uncertain significance. Last evaluated: 2022-06-12. Review status: criteria provided, single submitter. Criteria: GeneDx Variant Classification Process June 2021. Collection method: clinical testing. Allele origin: germline. Affected: yes.
Comment: Has not been previously published as pathogenic or benign to our knowledge; Not observed at significant frequency in large population cohorts (gnomAD); In silico analysis supports that this missense variant has a deleterious effect on protein structure/function; Also known as 9926G>A

Sharing Clinical Reports Project (SCRP)
Classification: Uncertain significance for Breast-ovarian cancer, familial 2. Last evaluated: 2012-07-18. Review status: no assertion criteria provided. Collection method: clinical testing. Allele origin: germline. Not counted in ClinVar's aggregate classification.

Literature cited by the submitters: PubMed 25085752 (cited by Myriad Genetics, Inc.); PubMed 32467295 (cited by 3 submitters); PubMed 31837001 (cited by Quest Diagnostics Nichols Institute San Juan Capistrano).

NM_000059.4(BRCA2):c.9698G>A (p.Cys3233Tyr)

Gene: BRCA2 (BRCA2 DNA repair associated; plus strand). Cytogenetic location: 13q13.1.
Variant type: single nucleotide variant.
Coding change: c.9698G>A on transcript NM_000059.4 (MANE Select); coding-DNA position 9698, G replaced by A.
Protein change: p.Cys3233Tyr; replaces cysteine 3233 with tyrosine.
Molecular consequence: missense variant.
Genome position (GRCh38, 1-based): chr13:32,398,211, G>A. VCF-style: chr13-32398211-G-A. GRCh37 (hg19) VCF-style: chr13-32972348-G-A.
Other names: 9926G>A; short protein forms C3233Y.
Identifiers: ClinVar variation 91532 (VCV000091532.27), dbSNP rs398122620, ClinGen allele CA026271.